The following is an entry in ClinVar:

ClinVar aggregate classification (germline): Likely benign (0 of 4 stars; one submission).

Conditions:
ADCY3-related disorder. Also called: ADCY3-related condition.

gnomAD v4.1: 1 of 1,614,060 alleles (0.000062%); highest among the groups gnomAD compares: Non-Finnish European, 0.000085%; no homozygotes.

Submission:

PreventionGenetics, part of Exact Sciences
Classification: Likely benign for ADCY3-related condition. Last evaluated: 2021-12-20. Review status: no assertion criteria provided. Collection method: clinical testing. Allele origin: germline.
Comment: This variant is classified as likely benign based on ACMG/AMP sequence variant interpretation guidelines (Richards et al. 2015 PMID: 25741868, with internal and published modifications).

NM_004036.5(ADCY3):c.2013C>A (p.Leu671=)

Gene: ADCY3 (adenylate cyclase 3; minus strand). Cytogenetic location: 2p23.3.
Variant type: single nucleotide variant.
Coding change: c.2013C>A on transcript NM_004036.5 (MANE Select); coding-DNA position 2013, C replaced by A.
Protein change: p.Leu671=; no amino-acid change (leucine 671 retained).
Molecular consequence: synonymous variant.
Genome position (GRCh38, 1-based): chr2:24,831,704, G>T on the plus strand (C>A on the coding strand, the complement: ADCY3 is on the minus strand). VCF-style: chr2-24831704-G-T. GRCh37 (hg19) VCF-style: chr2-25054573-G-T.
Other names: c.2013C>A, p.Leu671= (NM_001320613.2, NM_001377129.1, NM_001377130.1 and 1 more transcripts); c.2079C>A, p.Leu693= (NM_001377128.1); c.1290C>A, p.Leu430= (NM_001377131.1).
Identifiers: ClinVar variation 3355832 (VCV003355832.1).
Genomic context (GRCh38, chr2:24,831,704, plus strand): 5'-TAGAAAAGTGCCTCTTACCCGGGGAAAGATGGCAGCCAGGGAGCAGATGGTCAGGATGAG[G>T]AGCAGAATCTCCCCCACCATGAAGGTCACATAGTTTGTCATTAGCCTGTGACAGAGAGAA-3'
Protein context (NP_004027.2, residues 661-681): YVTFMVGEIL[Leu671=]LILTICSLAA